The following is an entry in ClinVar:

NM_000229.2(LCAT):c.607G>A (p.Gly203Ser)

Gene: LCAT (lecithin-cholesterol acyltransferase; minus strand). Cytogenetic location: 16q22.1.
Variant type: single nucleotide variant.
Coding change: c.607G>A on transcript NM_000229.2 (MANE Select); coding-DNA position 607, G replaced by A.
Protein change: p.Gly203Ser; replaces glycine 203 with serine.
Molecular consequence: missense variant.
Genome position (GRCh38, 1-based): chr16:67,942,504, C>T on the plus strand (G>A on the coding strand, the complement: LCAT is on the minus strand). VCF-style: chr16-67942504-C-T. GRCh37 (hg19) VCF-style: chr16-67976407-C-T.
Other names: short protein forms G203S.
Identifiers: ClinVar variation 3230705 (VCV003230705.1), dbSNP rs770108023, ClinGen allele CA283162572.

ClinVar aggregate classification (germline): Uncertain significance (1 of 4 stars; one submission).

Conditions:
Cardiovascular phenotype. Identifiers: MedGen CN230736.

Allele frequency attached by ClinVar (database versions not stated): TOPMed below 0.00001; gnomAD 0.00001; gnomAD exomes 0.00003.
gnomAD v4.1: 40 of 1,613,696 alleles (0.0025%); highest among the groups gnomAD compares: Non-Finnish European, 0.0033%; no homozygotes.

Submission:

Ambry Genetics
Classification: Uncertain significance for Cardiovascular phenotype. Last evaluated: 2023-11-01. Review status: criteria provided, single submitter. Criteria: Ambry Variant Classification Scheme 2023. Collection method: clinical testing. Allele origin: germline.
Comment: The p.G203S variant (also known as c.607G>A), located in coding exon 5 of the LCAT gene, results from a G to A substitution at nucleotide position 607. The glycine at codon 203 is replaced by serine, an amino acid with similar properties. This amino acid position is conserved. In addition, this alteration is predicted to be deleterious by in silico analysis. Since supporting evidence is limited at this time, the clinical significance of this alteration remains unclear.